The following is an entry in ClinVar:

ClinVar aggregate classification (germline): Uncertain significance. Review status: criteria provided, multiple submitters, no conflicts (2 of 4 stars). 2 submissions from 2 submitters: Uncertain significance (2). Last evaluated 2024-02-28.

Conditions:
FANCI-related disorder. Also called: FANCI-related condition.
Fanconi anemia complementation group I (FANCI). Also called: FANCI-Related Fanconi Anemia. Identifiers: Orphanet 84, MedGen C1836861, MONDO:0012186, OMIM 609053.

Allele frequency attached by ClinVar (database versions not stated): gnomAD exomes below 0.00001; ExAC 0.00002; TOPMed 0.00002; gnomAD 0.00003.
gnomAD v4.1: 9 of 1,614,066 alleles (0.00056%); highest among the groups gnomAD compares: Non-Finnish European, 0.00076%; no homozygotes.

Submissions (2):

Fulgent Genetics
Classification: Uncertain significance for Fanconi anemia complementation group I. Last evaluated: 2024-02-28. Review status: criteria provided, single submitter. Criteria: ACMG Guidelines, 2015. Collection method: clinical testing. Allele origin: germline.

PreventionGenetics, part of Exact Sciences
Classification: Uncertain significance for FANCI-related condition. Last evaluated: 2023-09-15. Review status: criteria provided, single submitter. Criteria: ACMG Guidelines, 2015. Collection method: clinical testing. Allele origin: germline.
Comment: The FANCI c.3376C>T variant is predicted to result in the amino acid substitution p.Pro1126Ser. To our knowledge, this variant has not been reported in the literature. This variant is reported in 0.00088% of alleles in individuals of European (Non-Finnish) descent in gnomAD. At this time, the clinical significance of this variant is uncertain due to the absence of conclusive functional and genetic evidence.

NM_001113378.2(FANCI):c.3376C>T (p.Pro1126Ser)

Gene: FANCI (FA complementation group I; plus strand). Cytogenetic location: 15q26.1.
Variant type: single nucleotide variant.
Coding change: c.3376C>T on transcript NM_001113378.2 (MANE Select); coding-DNA position 3376, C replaced by T.
Protein change: p.Pro1126Ser; replaces proline 1126 with serine.
Molecular consequence: missense variant.
Genome position (GRCh38, 1-based): chr15:89,306,033, C>T. VCF-style: chr15-89306033-C-T. GRCh37 (hg19) VCF-style: chr15-89849264-C-T.
Other names: c.3097C>T, p.Pro1033Ser (NM_001376910.1); c.3376C>T, p.Pro1126Ser (NM_001376911.1); c.3196C>T, p.Pro1066Ser (NM_018193.3); short protein forms P1033S, P1066S, P1126S.
Identifiers: ClinVar variation 2632246 (VCV002632246.2), dbSNP rs763343209, ClinGen allele CA7723708.
Genomic context (GRCh38, chr15:89,306,033, plus strand): 5'-TGGGTTTGAATGTGCCAATTTTATTTCCCTTTAGAAGAGGCCTCTTCTCAGGCAACCCTA[C>T]CAAATCAGCCTGTTGAGAAAGCTATCATCATGCAACTGGGAACTCTGCTTACATTTTTCC-3'
Protein context (NP_001106849.1, residues 1116-1136): SEEASSQATL[Pro1126Ser]NQPVEKAIIM